The following is an entry in ClinVar:

NM_001557.4(CXCR2):c.334T>C (p.Trp112Arg)

Gene: CXCR2 (C-X-C motif chemokine receptor 2; plus strand). Cytogenetic location: 2q35.
Variant type: single nucleotide variant.
Coding change: c.334T>C on transcript NM_001557.4 (MANE Select); coding-DNA position 334, T replaced by C.
Protein change: p.Trp112Arg; replaces tryptophan 112 with arginine.
Molecular consequence: missense variant.
Genome position (GRCh38, 1-based): chr2:218,135,135, T>C. VCF-style: chr2-218135135-T-C. GRCh37 (hg19) VCF-style: chr2-218999858-T-C.
Other names: c.334T>C, p.Trp112Arg (NM_001168298.2); short protein forms W112R.
Identifiers: ClinVar variation 2074050 (VCV002074050.4), dbSNP rs2469114142, ClinGen allele CA350529529.
Genomic context (GRCh38, chr2:218,135,135, plus strand): 5'-TTGGCCGACCTACTCTTTGCCCTGACCTTGCCCATCTGGGCCGCCTCCAAGGTGAATGGC[T>C]GGATTTTTGGCACATTCCTGTGCAAGGTGGTCTCACTCCTGAAGGAAGTCAACTTCTATA-3'
Protein context (NP_001548.1, residues 102-122): PIWAASKVNG[Trp112Arg]IFGTFLCKVV

ClinVar aggregate classification (germline): Uncertain significance (1 of 4 stars; one submission).

Submission:

Labcorp Genetics (formerly Invitae), Labcorp
Classification: Uncertain significance. Last evaluated: 2022-01-04. Review status: criteria provided, single submitter. Criteria: Invitae Variant Classification Sherloc (09022015). Collection method: clinical testing. Allele origin: germline.
Comment: This variant has not been reported in the literature in individuals affected with CXCR2-related conditions. In summary, the available evidence is currently insufficient to determine the role of this variant in disease. Therefore, it has been classified as a Variant of Uncertain Significance. Algorithms developed to predict the effect of missense changes on protein structure and function (SIFT, PolyPhen-2, Align-GVGD) all suggest that this variant is likely to be disruptive. This variant is not present in population databases (gnomAD no frequency). This sequence change replaces tryptophan, which is neutral and slightly polar, with arginine, which is basic and polar, at codon 112 of the CXCR2 protein (p.Trp112Arg).